The following is an entry in ClinVar:

NM_001005242.3(PKP2):c.2380A>G (p.Lys794Glu)

Gene: PKP2 (plakophilin 2; minus strand). Cytogenetic location: 12p11.21.
Variant type: single nucleotide variant.
Coding change: c.2380A>G on transcript NM_001005242.3 (MANE Select); coding-DNA position 2380, A replaced by G.
Protein change: p.Lys794Glu; replaces lysine 794 with glutamic acid.
Molecular consequence: missense variant.
Genome position (GRCh38, 1-based): chr12:32,792,709, T>C on the plus strand (A>G on the coding strand, the complement: PKP2 is on the minus strand). VCF-style: chr12-32792709-T-C. GRCh37 (hg19) VCF-style: chr12-32945643-T-C.
Other names: c.2512A>G, p.Lys838Glu (NM_004572.4); short protein forms K838E, K794E.
Identifiers: ClinVar variation 649512 (VCV000649512.11), dbSNP rs1247384437, ClinGen allele CA384356966.

ClinVar aggregate classification (germline): Uncertain significance. Review status: criteria provided, multiple submitters, no conflicts (2 of 4 stars). 3 submissions from 3 submitters: Uncertain significance (3). Last evaluated 2024-05-30.

Conditions:
Arrhythmogenic right ventricular cardiomyopathy (ARVD). Also called: Arrhythmogenic cardiomyopathy; Cardiomyopathy, ARVC; Arrhythmogenic right ventricular dysplasia; Arrhythmogenic Right Ventricular Cardiomyopathy (ARVC). Identifiers: Orphanet 247, MedGen C0349788, MeSH D019571, MONDO:0016587. Disease mechanism: loss of function. Inheritance: Various modes of inheritance.
Arrhythmogenic right ventricular dysplasia 9 (ARVD9). Also called: Arrhythmogenic Right Ventricular Dysplasia/Cardiomyopathy 9; ARRHYTHMOGENIC RIGHT VENTRICULAR DYSPLASIA, FAMILIAL, 9. Identifiers: MedGen C1836906, MONDO:0012180, OMIM 609040.
Cardiomyopathy (CMYO). Also called: Cardiomyopathies. Identifiers: Orphanet 167848, MedGen C0878544, MONDO:0004994, HP:0001638. Inheritance: Various modes of inheritance.

Allele frequency attached by ClinVar (database versions not stated): TOPMed 0.00001.

Submissions (3):

All of Us Research Program, National Institutes of Health
Classification: Uncertain significance for Arrhythmogenic right ventricular cardiomyopathy. Last evaluated: 2024-05-30. Review status: criteria provided, single submitter. Criteria: ACMG Guidelines, 2015. Collection method: clinical testing. Allele origin: germline. Inheritance: Autosomal dominant inheritance. Observed: 1 variant allele, 1 heterozygote.
Comment: This missense variant replaces lysine with glutamic acid at codon 838 of the PKP2 protein. Computational prediction suggests that this variant may not impact protein structure and function (internally defined REVEL score threshold <= 0.5, PMID: 27666373). To our knowledge, functional studies have not been reported for this variant. This variant has not been reported in individuals affected with cardiovascular disorders in the literature. This variant has not been identified in the general population by the Genome Aggregation Database (gnomAD). The available evidence is insufficient to determine the role of this variant in disease conclusively. Therefore, this variant is classified as a Variant of Uncertain Significance.

This study involves interpretation of variants in research participants for the purpose of population health screening. Participant phenotype was not available at the time of variant classification. Additional details can be found in publication PMID: 35346344, PMCID: PMC8962531

Color Diagnostics, LLC DBA Color Health
Classification: Uncertain significance for Cardiomyopathy. Last evaluated: 2024-03-06. Review status: criteria provided, single submitter. Criteria: ACMG Guidelines, 2015. Collection method: clinical testing. Allele origin: germline.
Comment: This missense variant replaces lysine with glutamic acid at codon 838 of the PKP2 protein. Computational prediction suggests that this variant may not impact protein structure and function (internally defined REVEL score threshold <= 0.5, PMID: 27666373). To our knowledge, functional studies have not been reported for this variant. This variant has not been reported in individuals affected with cardiovascular disorders in the literature. This variant has not been identified in the general population by the Genome Aggregation Database (gnomAD). The available evidence is insufficient to determine the role of this variant in disease conclusively. Therefore, this variant is classified as a Variant of Uncertain Significance.

Labcorp Genetics (formerly Invitae), Labcorp
Classification: Uncertain significance for Arrhythmogenic right ventricular dysplasia 9. Last evaluated: 2022-07-12. Review status: criteria provided, single submitter. Criteria: Invitae Variant Classification Sherloc (09022015). Collection method: clinical testing. Allele origin: germline.
Comment: This variant is not present in population databases (gnomAD no frequency). This sequence change replaces lysine, which is basic and polar, with glutamic acid, which is acidic and polar, at codon 838 of the PKP2 protein (p.Lys838Glu). This variant has not been reported in the literature in individuals affected with PKP2-related conditions. In summary, the available evidence is currently insufficient to determine the role of this variant in disease. Therefore, it has been classified as a Variant of Uncertain Significance. Algorithms developed to predict the effect of missense changes on protein structure and function are either unavailable or do not agree on the potential impact of this missense change (SIFT: "Deleterious"; PolyPhen-2: "Possibly Damaging"; Align-GVGD: "Class C0"). ClinVar contains an entry for this variant (Variation ID: 649512).